The following is an entry in ClinVar:

ClinVar aggregate classification (germline): Pathogenic/Likely pathogenic. Review status: criteria provided, multiple submitters, no conflicts (2 of 4 stars). 2 submissions from 2 submitters: Pathogenic (1); Likely pathogenic (1). Last evaluated 2023-07-18.

Conditions:
Niemann-Pick disease, type C1. Also called: NIEMANN-PICK DISEASE, VARIANT TYPE C1; NEUROVISCERAL STORAGE DISEASE WITH VERTICAL SUPRANUCLEAR OPHTHALMOPLEGIA; NIEMANN-PICK DISEASE WITH CHOLESTEROL ESTERIFICATION BLOCK; NIEMANN-PICK DISEASE WITHOUT SPHINGOMYELINASE DEFICIENCY; NIEMANN-PICK DISEASE, CHRONIC NEURONOPATHIC FORM. Identifiers: Orphanet 646, MedGen C3179455, MONDO:0009757, OMIM 257220.

Submissions (2):

Revvity Omics, Revvity
Classification: Likely pathogenic for Niemann-Pick disease, type C1. Last evaluated: 2023-07-18. Review status: criteria provided, single submitter. Criteria: ACMG Guidelines, 2015. Collection method: clinical testing. Allele origin: germline.

Labcorp Genetics (formerly Invitae), Labcorp
Classification: Pathogenic for Niemann-Pick disease, type C1. Last evaluated: 2023-04-06. Review status: criteria provided, single submitter. Criteria: Invitae Variant Classification Sherloc (09022015). Collection method: clinical testing. Allele origin: germline.
Comment: This sequence change creates a premature translational stop signal (p.Glu1166*) in the NPC1 gene. It is expected to result in an absent or disrupted protein product. Loss-of-function variants in NPC1 are known to be pathogenic (PMID: 9211850). This variant is not present in population databases (gnomAD no frequency). This variant has not been reported in the literature in individuals affected with NPC1-related conditions. Algorithms developed to predict the effect of sequence changes on RNA splicing suggest that this variant may disrupt the consensus splice site. For these reasons, this variant has been classified as Pathogenic.

Literature cited by the submitters: PubMed 9211850 (cited by Labcorp Genetics (formerly Invitae), Labcorp).

NM_000271.5(NPC1):c.3496G>T (p.Glu1166Ter)

Gene: NPC1 (NPC intracellular cholesterol transporter 1; minus strand). Cytogenetic location: 18q11.2.
Variant type: single nucleotide variant.
Coding change: c.3496G>T on transcript NM_000271.5 (MANE Select); coding-DNA position 3496, G replaced by T.
Protein change: p.Glu1166Ter; replaces glutamic acid 1166 with a stop codon.
Molecular consequence: nonsense.
Genome position (GRCh38, 1-based): chr18:23,534,541, C>A on the plus strand (G>T on the coding strand, the complement: NPC1 is on the minus strand). VCF-style: chr18-23534541-C-A. GRCh37 (hg19) VCF-style: chr18-21114505-C-A.
Other names: short protein forms E1166*.
Identifiers: ClinVar variation 2690654 (VCV002690654.5), dbSNP rs1567944248, ClinGen allele CA401791063.